The following is an entry in ClinVar:

NM_000443.4(ABCB4):c.1880T>C (p.Leu627Pro)

Gene: ABCB4 (ATP binding cassette subfamily B member 4; minus strand). Cytogenetic location: 7q21.12.
Variant type: single nucleotide variant.
Coding change: c.1880T>C on transcript NM_000443.4 (MANE Select); coding-DNA position 1880, T replaced by C.
Protein change: p.Leu627Pro; replaces leucine 627 with proline.
Molecular consequence: missense variant.
Genome position (GRCh38, 1-based): chr7:87,431,417, A>G on the plus strand (T>C on the coding strand, the complement: ABCB4 is on the minus strand). VCF-style: chr7-87431417-A-G. GRCh37 (hg19) VCF-style: chr7-87060733-A-G.
Other names: c.1880T>C, p.Leu627Pro (NM_018849.3, NM_018850.3); short protein forms L627P.
Identifiers: ClinVar variation 4846544 (VCV004846544.1).

ClinVar aggregate classification (germline): Uncertain significance (1 of 4 stars; one submission).

Conditions:
Familial intrahepatic cholestasis. Identifiers: Orphanet 284385, MedGen CN296401, MONDO:0017290.

Submission:

Genomenon, Inc
Classification: Uncertain significance for Familial intrahepatic cholestasis. Last evaluated: 2026-04-14. Review status: criteria provided, single submitter. Criteria: Genomenon Sequence Variant Interpretation Standards - Updated. Collection method: curation. Allele origin: germline. Affected: yes.
Comment: ABCB4 p.Leu627Pro (c.1880T>C) is a missense variant that changes the amino acid at residue 627 from Leucine to Proline. This variant has been observed in at least one proband with an ABCB4-related disorder (PMID:37701337). The variant was found to segregate with disease in at least one affected family (PMID:37701337). It is absent or not present at a significant frequency in gnomAD. In silico models predict that this variant is possibly or probably damaging. In conclusion, we classify ABCB4 p.Leu627Pro (c.1880T>C) as a variant of uncertain significance.

Literature cited by the submitters: PubMed 37701337.